The following is an entry in ClinVar:

ClinVar aggregate classification (germline): Uncertain significance (1 of 4 stars; one submission).

Submission:

Labcorp Genetics (formerly Invitae), Labcorp
Classification: Uncertain significance. Last evaluated: 2024-06-17. Review status: criteria provided, single submitter. Criteria: Invitae Variant Classification Sherloc (09022015). Collection method: clinical testing. Allele origin: germline.
Comment: This sequence change replaces serine, which is neutral and polar, with arginine, which is basic and polar, at codon 322 of the LOX protein (p.Ser322Arg). This variant is not present in population databases (gnomAD no frequency). This variant has not been reported in the literature in individuals affected with LOX-related conditions. ClinVar contains an entry for this variant (Variation ID: 1962041). Advanced modeling of protein sequence and biophysical properties (such as structural, functional, and spatial information, amino acid conservation, physicochemical variation, residue mobility, and thermodynamic stability) has been performed at Invitae for this missense variant, however the output from this modeling did not meet the statistical confidence thresholds required to predict the impact of this variant on LOX protein function. In summary, the available evidence is currently insufficient to determine the role of this variant in disease. Therefore, it has been classified as a Variant of Uncertain Significance.

NM_002317.7(LOX):c.964A>C (p.Ser322Arg)

Genes: LOX (lysyl oxidase; minus strand), SRFBP1 (serum response factor binding protein 1; plus strand). Cytogenetic location: 5q23.1.
Variant type: single nucleotide variant.
Coding change: c.964A>C on transcript NM_002317.7 (MANE Select); coding-DNA position 964, A replaced by C.
Protein change: p.Ser322Arg; replaces serine 322 with arginine.
Molecular consequence: missense variant.
Genome position (GRCh38, 1-based): chr5:122,074,084, T>G on the plus strand (A>C on the coding strand, the complement: LOX is on the minus strand). VCF-style: chr5-122074084-T-G. GRCh37 (hg19) VCF-style: chr5-121409779-T-G.
Other names: c.274A>C, p.Ser92Arg (NM_001178102.2); c.73A>C, p.Ser25Arg (NM_001317073.1); short protein forms S322R, S25R, S92R.
Identifiers: ClinVar variation 1962041 (VCV001962041.5), dbSNP rs2532908311, ClinGen allele CA360881600.
Genomic context (GRCh38, chr5:122,074,084, plus strand): 5'-CAGTACATGCAAATCGCCTGTGGTAGCCATAGTCACAGGATGTGTCTTCAAGACAGAAAC[T>G]TGCTTTGTGGCCTTCAGCCACTCTCCTCTGGGTGTTGGCATCAAGCAGGTCATAGTGGCT-3'
Protein context (NP_002308.2, residues 312-332): QRRVAEGHKA[Ser322Arg]FCLEDTSCDY